The following is an entry in ClinVar:

ClinVar aggregate classification (germline): Uncertain significance (1 of 4 stars; one submission).

Submission:

GeneDx
Classification: Uncertain significance. Last evaluated: 2022-06-02. Review status: criteria provided, single submitter. Criteria: GeneDx Variant Classification Process June 2021. Collection method: clinical testing. Allele origin: germline. Affected: yes.
Comment: Not observed at significant frequency in large population cohorts (gnomAD); In-frame insertion of 7 amino acids in a repetitive region with no known function; Has not been previously published as pathogenic or benign to our knowledge

NM_001190274.2(FBXO11):c.160_161insCTCCGCCGCCGCCGCCGCAGC (p.Gln53_Gln54insProProProProProProGln)

Genes: FBXO11 (F-box protein 11; minus strand), LOC100506235 (uncharacterized LOC100506235; plus strand). Cytogenetic location: 2p16.3.
Variant type: Insertion.
Coding change: c.160_161insCTCCGCCGCCGCCGCCGCAGC on transcript NM_001190274.2 (MANE Select); coding-DNA positions 160 to 161, CTCCGCCGCCGCCGCCGCAGC inserted.
Protein change: p.Gln53_Gln54insProProProProProProGln.
Molecular consequence: non-coding transcript variant (on NR_187636.1).
Genome position: GRCh38 VCF-style: chr2-47905560-T-TGCTGCGGCGGCGGCGGCGGAG. GRCh37 (hg19) VCF-style: chr2-48132699-T-TGCTGCGGCGGCGGCGGCGGAG.
Identifiers: ClinVar variation 1801904 (VCV001801904.1), dbSNP rs2528152713, ClinGen allele CA2580066940.
Genomic context (GRCh38, chr2:47,905,560, plus strand): 5'-ACGTTGTTCCGCTCCTGAGGCAGCGGCGGAGGCGGCGGTGGCGGCGGCGGAGGCTGCTGC[T>TGCTGCGGCGGCGGCGGCGGAG]GCTGCTGCTGCTGCGGCGGCGGCGGAGGCTGCTGCTGGGGCGGCTGCTGCTGGGGCGGCT-3'